The following is an entry in ClinVar:

ClinVar aggregate classification (germline): Uncertain significance. Review status: criteria provided, multiple submitters, no conflicts (2 of 4 stars). 2 submissions from 2 submitters: Uncertain significance (2). Last evaluated 2023-04-11.

Conditions:
Hereditary breast ovarian cancer syndrome. Also called: Hereditary breast and ovarian cancer syndrome; Hereditary breast and ovarian cancer syndrome (HBOC); BRCA1- and BRCA2-Associated Hereditary Breast and Ovarian Cancer; Hereditary breast and/or ovarian cancer syndrome; Hereditary breast and ovarian cancer; Breast and ovarian cancer. Identifiers: Orphanet 145, MedGen C0677776, MeSH D061325, MONDO:0003582. Disease mechanism: loss of function.
Hereditary cancer-predisposing syndrome. Also called: Neoplastic Syndromes, Hereditary; Tumor predisposition; Hereditary neoplastic syndrome; Hereditary Cancer Syndrome. Identifiers: Orphanet 140162, MedGen C0027672, MeSH D009386, MONDO:0015356.

Submissions (2):

Color Diagnostics, LLC DBA Color Health
Classification: Uncertain significance for Hereditary cancer-predisposing syndrome. Last evaluated: 2023-04-11. Review status: criteria provided, single submitter. Criteria: ACMG Guidelines, 2015. Collection method: clinical testing. Allele origin: germline.
Comment: This missense variant replaces lysine with arginine at codon 241 of the BRCA2 protein. Computational prediction suggests that this variant may not impact protein structure and function (internally defined REVEL score threshold <= 0.5, PMID: 27666373). To our knowledge, functional studies have not been reported for this variant. This variant has been reported in an individual affected with breast cancer (PMID: 14973102). This variant has not been identified in the general population by the Genome Aggregation Database (gnomAD). The available evidence is insufficient to determine the role of this variant in disease conclusively. Therefore, this variant is classified as a Variant of Uncertain Significance.

Labcorp Genetics (formerly Invitae), Labcorp
Classification: Uncertain significance for Hereditary breast ovarian cancer syndrome. Last evaluated: 2018-05-30. Review status: criteria provided, single submitter. Criteria: Invitae Variant Classification Sherloc (09022015). Collection method: clinical testing. Allele origin: germline.
Comment: Algorithms developed to predict the effect of missense changes on protein structure and function (SIFT, PolyPhen-2, Align-GVGD) all suggest that this variant is likely to be tolerated, but these predictions have not been confirmed by published functional studies and their clinical significance is uncertain. In summary, the available evidence is currently insufficient to determine the role of this variant in disease. Therefore, it has been classified as a Variant of Uncertain Significance. This variant has been observed in an individual affected with breast cancer (PMID: 14973102). This variant is not present in population databases (ExAC no frequency). This sequence change replaces lysine with arginine at codon 241 of the BRCA2 protein (p.Lys241Arg). The lysine residue is moderately conserved and there is a small physicochemical difference between lysine and arginine.

Literature cited by the submitters: PubMed 14973102 (cited by Color Diagnostics, LLC DBA Color Health and Labcorp Genetics (formerly Invitae), Labcorp).

NM_000059.4(BRCA2):c.722A>G (p.Lys241Arg)

Gene: BRCA2 (BRCA2 DNA repair associated; plus strand). Cytogenetic location: 13q13.1.
Variant type: single nucleotide variant.
Coding change: c.722A>G on transcript NM_000059.4 (MANE Select); coding-DNA position 722, A replaced by G.
Protein change: p.Lys241Arg; replaces lysine 241 with arginine.
Molecular consequence: missense variant.
Genome position (GRCh38, 1-based): chr13:32,330,959, A>G. VCF-style: chr13-32330959-A-G. GRCh37 (hg19) VCF-style: chr13-32905096-A-G.
Other names: short protein forms K241R.
Identifiers: ClinVar variation 580657 (VCV000580657.10), dbSNP rs1566221375, ClinGen allele CA387759992.